The following is an entry in ClinVar:

ClinVar aggregate classification (germline): Conflicting classifications of pathogenicity. Review status: criteria provided, conflicting classifications (1 of 4 stars). 4 submissions from 4 submitters: Uncertain significance (1); Benign (1); Likely benign (2). Last evaluated 2025-11-25.

Allele frequency attached by ClinVar (database versions not stated): 1000 Genomes Project 30x 0.00031; ESP Exome Variant Server 0.00038; 1000 Genomes Project 0.00040; gnomAD 0.00043 and 0.00044; ExAC 0.00047; TOPMed 0.00057.
gnomAD v4.1: 1,378 of 1,613,942 alleles (0.085%); highest among the groups gnomAD compares: Non-Finnish European, 0.11%; no homozygotes.

Submissions (4):

Labcorp Genetics (formerly Invitae), Labcorp
Classification: Benign. Last evaluated: 2025-11-25. Review status: criteria provided, single submitter. Criteria: Invitae Variant Classification Sherloc (09022015). Collection method: clinical testing. Allele origin: germline.

Blueprint Genetics
Classification: Likely benign. Last evaluated: 2024-08-29. Review status: criteria provided, single submitter. Criteria: ACMG Guidelines, 2015. Collection method: clinical testing. Allele origin: germline.

CeGaT Center for Human Genetics Tuebingen
Classification: Likely benign. Last evaluated: 2024-08-01. Review status: criteria provided, single submitter. Criteria: CeGaT Center For Human Genetics Tuebingen Variant Classification Criteria Version 2. Collection method: clinical testing. Allele origin: germline. Affected: yes. Observed: 1 variant allele.
Comment: SPTB: BP4, BP7

Breakthrough Genomics
Classification: Uncertain significance. Review status: criteria provided, single submitter. Criteria: ACMG Guidelines, 2015. Collection method: not provided. Allele origin: germline. Inheritance: Autosomal dominant inheritance. Affected: yes.

NM_001355436.2(SPTB):c.4782C>T (p.Asp1594=)

Gene: SPTB (spectrin beta, erythrocytic; minus strand). Cytogenetic location: 14q23.3.
Variant type: single nucleotide variant.
Coding change: c.4782C>T on transcript NM_001355436.2 (MANE Select); coding-DNA position 4782, C replaced by T.
Protein change: p.Asp1594=; no amino-acid change (aspartic acid 1594 retained).
Molecular consequence: synonymous variant.
Genome position (GRCh38, 1-based): chr14:64,775,185, G>A on the plus strand (C>T on the coding strand, the complement: SPTB is on the minus strand). VCF-style: chr14-64775185-G-A. GRCh37 (hg19) VCF-style: chr14-65241903-G-A.
Other names: c.4782C>T, p.Asp1594= (NM_001024858.4, NM_001355437.2).
Identifiers: ClinVar variation 313724 (VCV000313724.25), dbSNP rs138279396, ClinGen allele CA7230194.